The following is an entry in ClinVar:

NM_001244008.2(KIF1A):c.2721GGA[7] (p.Glu914_Glu917del)

Gene: KIF1A (kinesin family member 1A; minus strand). Cytogenetic location: 2q37.3.
Variant type: Microsatellite.
Coding change: c.2721GGA[7] on transcript NM_001244008.2 (MANE Select); seven copies in a row of the 3-base unit GGA starting at c.2721; the reference has 11 copies in a row; four copies, 12 bases deleted.
Protein change: p.Glu914_Glu917del.
Molecular consequence: inframe deletion. On other transcripts: intron variant (18).
Genome position (GRCh38, 1-based): chr2:240,757,424-240,757,435, TCCTCCTCCTCC deleted on the plus strand (GGAGGAGGAGGA on the coding strand, the reverse complement: KIF1A is on the minus strand); deleting any 12 consecutive bases within chr2:240,757,424-240,757,456 gives the same sequence; the position shown is the placement nearest the transcript's 3' end. VCF-style (leftmost placement, unchanged base first): chr2-240757423-ATCCTCCTCCTCC-A. GRCh37 (hg19) VCF-style: chr2-241696840-ATCCTCCTCCTCC-A.
Other names: c.2796GGA[7], p.Glu939_Glu942del (NM_001379631.1); c.2670GGA[7], p.Glu897_Glu900del (NM_001379632.1); c.2694GGA[7], p.Glu905_Glu908del (NM_001379633.1, NM_001379642.1, NM_001379645.1); c.2555+904GGA[7] (NM_001379653.1, NM_001379650.1, NM_001379640.1 and 6 more transcripts); c.2657+904GGA[7] (NM_001379635.1, NM_001330290.2, NM_001379646.1 and 1 more transcripts); c.2630+904GGA[7] (NM_001379637.1, NM_001379648.1); c.2582+904GGA[7] (NM_001320705.2, NM_001379638.1, NM_001330289.2).
Identifiers: ClinVar variation 420216 (VCV000420216.6), dbSNP rs10594016, ClinGen allele CA2208032.

ClinVar aggregate classification (germline): Benign/Likely benign. Review status: criteria provided, multiple submitters, no conflicts (2 of 4 stars). 4 submissions from 4 submitters: Benign (1); Likely benign (3). Last evaluated 2026-03-02.

Conditions:
KIF1A-related disorder. Also called: KIF1A-related disorders; KIF1A-related condition.
Inborn genetic diseases. Identifiers: MedGen C0950123, MeSH D030342.

Submissions (4):

PreventionGenetics, part of Exact Sciences
Classification: Likely benign for KIF1A-related condition. Last evaluated: 2026-03-02. Review status: criteria provided, single submitter. Criteria: ACMG Guidelines, 2015. Collection method: clinical testing. Allele origin: germline.
Comment: This variant is classified as likely benign based on ACMG/AMP sequence variant interpretation guidelines (Richards et al. 2015 PMID: 25741868, with internal and published modifications).

Blueprint Genetics
Classification: Likely benign. Last evaluated: 2024-10-24. Review status: criteria provided, single submitter. Criteria: ACMG Guidelines, 2015. Collection method: clinical testing. Allele origin: germline.

GeneDx
Classification: Likely benign. Last evaluated: 2020-12-11. Review status: criteria provided, single submitter. Criteria: GeneDx Variant Classification Process June 2021. Collection method: clinical testing. Allele origin: germline. Affected: yes.

Ambry Genetics
Classification: Benign for Inborn genetic diseases. Last evaluated: 2020-10-12. Review status: criteria provided, single submitter. Criteria: Ambry Variant Classification Scheme 2023. Collection method: clinical testing. Allele origin: germline.